The following continues an entry in ClinVar:

NM_000492.4(CFTR):c.473G>A (p.Ser158Asn)

Gene: CFTR. ClinVar aggregate classification (germline): Conflicting classifications of pathogenicity. Pathogenic (1); Likely pathogenic (5); Uncertain significance (9).

Submissions 11 to 16 of 16:

Ambry Genetics
Classification: Uncertain significance for Cystic fibrosis. Last evaluated: 2023-02-10. Review status: criteria provided, single submitter. Criteria: Ambry Variant Classification Scheme 2023. Collection method: clinical testing. Allele origin: germline.
Comment: The p.S158N variant (also known as c.473G>A and c.605G>A), located in coding exon 4 of the CFTR gene, results from a G to A substitution at nucleotide position 473. The serine at codon 158 is replaced by asparagine, an amino acid with highly similar properties. This alteration was reported along with p.F508del in the compound heterozygous state in an individual with chronic cough, sweat chloride level of 64 mmol/L and pancreatic insufficiency (Sharma N et al. Ann Hum Genet, 2009 Jan;73:26-33). This amino acid position is highly conserved in available vertebrate species. In addition, the in silico prediction for this alteration is inconclusive. Since supporting evidence is limited at this time, the clinical significance of this alteration remains unclear.

PreventionGenetics, part of Exact Sciences
Classification: Uncertain significance for CFTR-related condition. Last evaluated: 2023-01-24. Review status: criteria provided, single submitter. Criteria: ACMG Guidelines, 2015. Collection method: clinical testing. Allele origin: germline.
Comment: The CFTR c.473G>A variant is predicted to result in the amino acid substitution p.Ser158Asn. This variant has been reported in the compound heterozygous state in an individual with cystic fibrosis and in the homozygous state in an individual with failure to thrive, delayed growth, muscle weakness, dehydration and polyuria (Sharma N et al 2008. PubMed ID: 18782298; Najafi M et al 2019. PubMed ID: 30760291). This variant has been reported in cis with the p.Phe508del pathogenic variant in an unaffected sibling of an individual with cystic fibrosis, in whom a second variant was not found (Hicks K et al 2003. PubMed ID: 12820707). This variant has also been reported in the heterozygous state in an individual with chronic pancreatitis ( Supplementary Table 1, Midha S et al 2010. PubMed ID: 20551465). This variant is not present in the CFTR2 database and to our knowledge, no functional studies are available in the literature. This variant is reported in 0.059% of alleles in individuals of South Asian descent in gnomAD. At this time, the clinical significance of this variant is uncertain due to the absence of conclusive functional and genetic evidence.

Genome-Nilou Lab
Classification: Uncertain significance for Cystic fibrosis. Last evaluated: 2021-09-05. Review status: criteria provided, single submitter. Criteria: ACMG Guidelines, 2015. Collection method: clinical testing. Allele origin: germline. Affected: no.

Mendelics
Classification: Uncertain significance for Cystic fibrosis. Last evaluated: 2018-11-05. Review status: criteria provided, single submitter. Criteria: Mendelics Assertion Criteria 2017. Collection method: clinical testing. Allele origin: unknown. Affected: yes.

Neuberg Centre For Genomic Medicine, NCGM
Classification: Uncertain significance for Hereditary pancreatitis. Review status: criteria provided, single submitter. Criteria: ACMG Guidelines, 2015. Collection method: clinical testing. Allele origin: germline. Inheritance: Autosomal dominant inheritance. Affected: yes.
Comment: The missense c.473G>A (p.Ser158Asn) variant in the CFTR gene has been observed in individual(s) with clinical features of cystic fibrosis (Najafi, Maryam et al., 2019). The variant has been reported previously in both trans (Sharma N et al, 2009) and in cis with a delta F508 where another variant in trans was not detected (Hicks K et al, 2003). This variant is reported with the allele frequency (0.007%) in the gnomAD Exomes. It is submitted to ClinVar as Pathogenic/Uncertain Significance (multiple submissions). The amino acid Serine at position 158 is changed to a Asparagine changing protein sequence and it might alter its composition and physico-chemical properties. The serine residue at codon 158 of CFTR is conserved in all mammalian species. The amino acid change p.Ser158Asn in CFTR is predicted as conserved by GERP++ and PhyloP across 100 vertebrates. For these reasons, this variant has been classified as Uncertain Significance. Since it has been detected in cis with deltaF508 variant in one patient, it's independent pathogenic potential is unclear and hence has been classified as Uncertain Significance.

Molecular Genetics Laboratory, BC Children's and BC Women's Hospitals
Classification: Uncertain significance for Cystic fibrosis. Last evaluated: 2022-10-18. Review status: no assertion criteria provided. Criteria: ACMG Guidelines, 2015. Collection method: clinical testing. Allele origin: germline. Affected: yes. Not counted in ClinVar's aggregate classification.

Literature cited by the submitters: PubMed 30760291 (cited by 3 submitters); PubMed 18782298 (cited by 3 submitters); PubMed 24440239 (cited by Women's Health and Genetics/Laboratory Corporation of America, LabCorp); PubMed 25735457 (cited by Women's Health and Genetics/Laboratory Corporation of America, LabCorp); PubMed 26437683 (cited by Women's Health and Genetics/Laboratory Corporation of America, LabCorp); PubMed 12820707 (cited by Women's Health and Genetics/Laboratory Corporation of America, LabCorp); PubMed 20551465 (cited by Women's Health and Genetics/Laboratory Corporation of America, LabCorp); PubMed 32819855 (cited by Women's Health and Genetics/Laboratory Corporation of America, LabCorp); PubMed 34350279 (cited by Women's Health and Genetics/Laboratory Corporation of America, LabCorp); PubMed 34740355 (cited by Women's Health and Genetics/Laboratory Corporation of America, LabCorp); PubMed 35857025 (cited by Women's Health and Genetics/Laboratory Corporation of America, LabCorp); PubMed 36834620 (cited by Women's Health and Genetics/Laboratory Corporation of America, LabCorp); PubMed 38388235 (cited by Women's Health and Genetics/Laboratory Corporation of America, LabCorp and Natera, Inc.); PubMed 38271453 (cited by Women's Health and Genetics/Laboratory Corporation of America, LabCorp); PubMed 38966678 (cited by Women's Health and Genetics/Laboratory Corporation of America, LabCorp); PubMed 21966101 (cited by Women's Health and Genetics/Laboratory Corporation of America, LabCorp); PubMed 22327961 (cited by Women's Health and Genetics/Laboratory Corporation of America, LabCorp); PubMed 40013628 (cited by Women's Health and Genetics/Laboratory Corporation of America, LabCorp); PubMed 40981298 (cited by Women's Health and Genetics/Laboratory Corporation of America, LabCorp).